The following is an entry in ClinVar:

NM_033004.4(NLRP1):c.723C>T (p.Pro241=)

Gene: NLRP1 (NLR family pyrin domain containing 1; minus strand). Cytogenetic location: 17p13.2.
Variant type: single nucleotide variant.
Coding change: c.723C>T on transcript NM_033004.4 (MANE Select); coding-DNA position 723, C replaced by T.
Protein change: p.Pro241=; no amino-acid change (proline 241 retained).
Molecular consequence: synonymous variant.
Genome position (GRCh38, 1-based): chr17:5,559,973, G>A on the plus strand (C>T on the coding strand, the complement: NLRP1 is on the minus strand). VCF-style: chr17-5559973-G-A. GRCh37 (hg19) VCF-style: chr17-5463293-G-A.
Other names: c.723C>T, p.Pro241= (NM_001033053.3, NM_014922.5, NM_033006.4 and 1 more transcripts).
Identifiers: ClinVar variation 4084488 (VCV004084488.8).
Genomic context (GRCh38, chr17:5,559,973, plus strand): 5'-CTCTCTCACAGAAGGCTCCCATGGGTGGTGGTGGGGCTGTAGGCTGGTGTGCGCCTGTGG[G>A]GGCGTTCCTACCACCGCTGCCCATGGGGGCCTGCCTTTCTCTGATTTCTCTCTCTCTCTT-3'
Protein context (NP_127497.1, residues 231-251): RPPWAAVVGT[Pro241=]PQAHTSLQPH

ClinVar aggregate classification (germline): Likely benign (1 of 4 stars; one submission).

gnomAD v4.1: 10 of 1,612,750 alleles (0.00062%); highest among the groups gnomAD compares: Non-Finnish European, 0.00085%; no homozygotes.

Submission:

CeGaT Center for Human Genetics Tuebingen
Classification: Likely benign. Last evaluated: 2025-07-01. Review status: criteria provided, single submitter. Criteria: CeGaT Center For Human Genetics Tuebingen Variant Classification Criteria Version 2. Collection method: clinical testing. Allele origin: germline. Affected: yes. Observed: 1 variant allele.
Comment: NLRP1: BP4, BP7